The following is an entry in ClinVar:

NM_004036.5(ADCY3):c.1875G>A (p.Ser625=)

Gene: ADCY3 (adenylate cyclase 3; minus strand). Cytogenetic location: 2p23.3.
Variant type: single nucleotide variant.
Coding change: c.1875G>A on transcript NM_004036.5 (MANE Select); coding-DNA position 1875, G replaced by A.
Protein change: p.Ser625=; no amino-acid change (serine 625 retained).
Molecular consequence: synonymous variant.
Genome position (GRCh38, 1-based): chr2:24,834,577, C>T on the plus strand (G>A on the coding strand, the complement: ADCY3 is on the minus strand). VCF-style: chr2-24834577-C-T. GRCh37 (hg19) VCF-style: chr2-25057446-C-T.
Other names: c.1875G>A, p.Ser625= (NM_001320613.2, NM_001377129.1, NM_001377130.1 and 1 more transcripts); c.1941G>A, p.Ser647= (NM_001377128.1); c.1152G>A, p.Ser384= (NM_001377131.1).
Identifiers: ClinVar variation 3042571 (VCV003042571.2), dbSNP rs191047121, ClinGen allele CA1553969.

ClinVar aggregate classification (germline): Likely benign (0 of 4 stars; one submission).

Conditions:
ADCY3-related disorder. Also called: ADCY3-related condition.

Allele frequency attached by ClinVar (database versions not stated): ExAC 0.00005; gnomAD exomes 0.00005; TOPMed 0.00005; gnomAD 0.00007; ESP Exome Variant Server 0.00008; 1000 Genomes Project 30x 0.00016; 1000 Genomes Project 0.00020.
gnomAD v4.1: 83 of 1,614,092 alleles (0.0051%); highest among the groups gnomAD compares: East Asian, 0.011%; no homozygotes.

Submission:

PreventionGenetics, part of Exact Sciences
Classification: Likely benign for ADCY3-related condition. Last evaluated: 2022-08-02. Review status: no assertion criteria provided. Collection method: clinical testing. Allele origin: germline.
Comment: This variant is classified as likely benign based on ACMG/AMP sequence variant interpretation guidelines (Richards et al. 2015 PMID: 25741868, with internal and published modifications).